The following is an entry in ClinVar:

NM_013275.6(ANKRD11):c.5417G>T (p.Gly1806Val)

Gene: ANKRD11 (ankyrin repeat domain containing 11; minus strand). Cytogenetic location: 16q24.3.
Variant type: single nucleotide variant.
Coding change: c.5417G>T on transcript NM_013275.6 (MANE Select); coding-DNA position 5417, G replaced by T.
Protein change: p.Gly1806Val; replaces glycine 1806 with valine.
Molecular consequence: missense variant.
Genome position (GRCh38, 1-based): chr16:89,281,125, C>A on the plus strand (G>T on the coding strand, the complement: ANKRD11 is on the minus strand). VCF-style: chr16-89281125-C-A. GRCh37 (hg19) VCF-style: chr16-89347533-C-A.
Other names: c.5417G>T, p.Gly1806Val (NM_001256182.2, NM_001256183.2); short protein forms G1806V.
Identifiers: ClinVar variation 3906500 (VCV003906500.1).

ClinVar aggregate classification (germline): Uncertain significance (1 of 4 stars; one submission).

gnomAD v4.1: 1 of 1,612,864 alleles (0.000062%); highest among the groups gnomAD compares: Non-Finnish European, 0.000085%; no homozygotes.

Submission:

GeneDx
Classification: Uncertain significance. Last evaluated: 2024-12-20. Review status: criteria provided, single submitter. Criteria: GeneDx Variant Classification Process June 2021. Collection method: clinical testing. Allele origin: germline. Affected: yes.
Comment: Not observed at significant frequency in large population cohorts (gnomAD); In silico analysis indicates that this missense variant does not alter protein structure/function; Has not been previously published as pathogenic or benign to our knowledge